The following is an entry in ClinVar:

NM_001144967.3(NEDD4L):c.2576A>T (p.Asp859Val)

Gene: NEDD4L (NEDD4 like E3 ubiquitin protein ligase; plus strand). Cytogenetic location: 18q21.31.
Variant type: single nucleotide variant.
Coding change: c.2576A>T on transcript NM_001144967.3 (MANE Select); coding-DNA position 2576, A replaced by T.
Protein change: p.Asp859Val; replaces aspartic acid 859 with valine.
Molecular consequence: missense variant.
Genome position (GRCh38, 1-based): chr18:58,389,113, A>T. VCF-style: chr18-58389113-A-T. GRCh37 (hg19) VCF-style: chr18-56056345-A-T.
Other names: c.2213A>T, p.Asp738Val (NM_001144964.1, NM_001144965.2, NM_001144966.3); c.2552A>T, p.Asp851Val (NM_001144968.2); c.2492A>T, p.Asp831Val (NM_001144969.2); c.2153A>T, p.Asp718Val (NM_001144970.3, NM_001144971.2); c.2384A>T, p.Asp795Val (NM_001243960.2); c.2516A>T, p.Asp839Val (NM_015277.6); short protein forms D718V, D738V, D795V, D831V, D839V, D851V, D859V.
Identifiers: ClinVar variation 3769962 (VCV003769962.1).

ClinVar aggregate classification (germline): Uncertain significance (1 of 4 stars; one submission).

Submission:

GeneDx
Classification: Uncertain significance. Last evaluated: 2024-09-11. Review status: criteria provided, single submitter. Criteria: GeneDx Variant Classification Process June 2021. Collection method: clinical testing. Allele origin: germline. Affected: yes.
Comment: Not observed at significant frequency in large population cohorts (gnomAD); In silico analysis supports that this missense variant has a deleterious effect on protein structure/function; Has not been previously published as pathogenic or benign to our knowledge